The following is an entry in ClinVar:

ClinVar aggregate classification (germline): Benign/Likely benign. Review status: criteria provided, multiple submitters, no conflicts (2 of 4 stars). 3 submissions from 3 submitters: Benign (2); Likely benign (1). Last evaluated 2026-09-01.

Conditions:
Hereditary breast ovarian cancer syndrome. Also called: BRCA1- and BRCA2-Associated Hereditary Breast and Ovarian Cancer; Hereditary breast and ovarian cancer; Hereditary breast and ovarian cancer syndrome; Hereditary breast and ovarian cancer syndrome (HBOC); Breast and ovarian cancer; Hereditary breast and/or ovarian cancer syndrome. Identifiers: Orphanet 145, MedGen C0677776, MeSH D061325, MONDO:0003582. Disease mechanism: loss of function.

Allele frequency attached by ClinVar (database versions not stated): 1000 Genomes Project 0.00579; 1000 Genomes Project 30x 0.00593; gnomAD 0.00752 and 0.00762; gnomAD exomes 0.00806; TOPMed 0.00897.
gnomAD v4.1: 9,975 of 1,221,826 alleles (0.82%); highest among the groups gnomAD compares: Middle Eastern, 5.3%; 85 homozygotes.

Submissions (3):

CeGaT Center for Human Genetics Tuebingen
Classification: Benign. Last evaluated: 2026-09-01. Review status: criteria provided, single submitter. Criteria: CeGaT Center For Human Genetics Tuebingen Variant Classification Criteria Version 2. Collection method: clinical testing. Allele origin: germline. Affected: yes. Observed: 17 variant alleles.
Comment: BARD1: BS1, BS2

National Health Laboratory Service, Universitas Academic Hospital and University of the Free State
Classification: Benign for Hereditary breast ovarian cancer syndrome. Last evaluated: 2022-04-19. Review status: criteria provided, single submitter. Criteria: ACMG Guidelines, 2015. Collection method: clinical testing. Allele origin: germline. Affected: yes. Observed: 1 variant allele.

Breakthrough Genomics
Classification: Likely benign. Review status: criteria provided, single submitter. Criteria: ACMG Guidelines, 2015. Collection method: not provided. Allele origin: germline. Inheritance: Autosomal dominant inheritance. Affected: yes.

NM_000465.4(BARD1):c.1569-56A>G

Gene: BARD1 (BRCA1 associated RING domain 1; minus strand). Cytogenetic location: 2q35.
Variant type: single nucleotide variant.
Coding change: c.1569-56A>G on transcript NM_000465.4 (MANE Select); 56 bases into the intron before coding-DNA position 1569, A replaced by G.
Molecular consequence: intron variant.
Genome position (GRCh38, 1-based): chr2:214,752,611, T>C on the plus strand (A>G on the coding strand, the complement: BARD1 is on the minus strand). VCF-style: chr2-214752611-T-C. GRCh37 (hg19) VCF-style: chr2-215617335-T-C.
Other names: c.159-56A>G (NM_001282548.2); c.1512-56A>G (NM_001282543.2); c.216-56A>G (NM_001282545.2); c.365-22103A>G (NM_001282549.2).
Identifiers: ClinVar variation 1679022 (VCV001679022.10), dbSNP rs71579853, ClinGen allele CA64807113.